The following is an entry in ClinVar:

ClinVar aggregate classification (germline): Uncertain significance (1 of 4 stars; one submission).

Submission:

GeneDx
Classification: Uncertain significance. Last evaluated: 2025-12-15. Review status: criteria provided, single submitter. Criteria: GeneDx Variant Classification Process June 2021. Collection method: clinical testing. Allele origin: germline.
Comment: Not observed at significant frequency in large population cohorts (gnomAD); Frameshift variant predicted to result in protein truncation or nonsense mediated decay in a gene or region of a gene for which loss of function is not a well-established mechanism of disease; Has not been previously published as pathogenic or benign to our knowledge; Variants in candidate genes are classified as variants of uncertain significance in accordance with ACMG guidelines (PMID: 25741868)

NM_014921.5(ADGRL1):c.2705_2709del (p.Glu902fs)

Genes: ADGRL1 (adhesion G protein-coupled receptor L1; minus strand), ADGRL1-AS1 (ADGRL1 antisense RNA 1; plus strand). Cytogenetic location: 19p13.12.
Variant type: Deletion.
Coding change: c.2705_2709del on transcript NM_014921.5 (MANE Select); coding-DNA positions 2705 to 2709, 5 bases deleted (AGCTG; older notation c.2705_2709delAGCTG).
Protein change: p.Glu902fs; shifts the reading frame from glutamic acid 902.
Molecular consequence: frameshift variant.
Genome position (GRCh38, 1-based): chr19:14,157,287-14,157,291, CAGCT deleted on the plus strand (AGCTG on the coding strand, the reverse complement: ADGRL1 is on the minus strand); deleting any 5 consecutive bases within chr19:14,157,287-14,157,295 gives the same sequence; the c. name uses the placement nearest the transcript's 3' end. VCF-style (leftmost placement, unchanged base first): chr19-14157286-GCAGCT-G. GRCh37 (hg19) VCF-style: chr19-14268098-GCAGCT-G.
Other names: c.2720_2724del, p.Glu907fs (NM_001008701.3); short protein forms E902fs, E907fs.
Identifiers: ClinVar variation 4975216 (VCV004975216.1).